The following is an entry in ClinVar:

NM_206937.2(LIG4):c.68T>C (p.Leu23Ser)

Gene: LIG4 (DNA ligase 4; minus strand). Cytogenetic location: 13q33.3.
Variant type: single nucleotide variant.
Coding change: c.68T>C on transcript NM_206937.2 (MANE Select); coding-DNA position 68, T replaced by C.
Protein change: p.Leu23Ser; replaces leucine 23 with serine.
Molecular consequence: missense variant. On other transcripts: 5 prime UTR variant (1).
Genome position (GRCh38, 1-based): chr13:108,211,201, A>G on the plus strand (T>C on the coding strand, the complement: LIG4 is on the minus strand). VCF-style: chr13-108211201-A-G. GRCh37 (hg19) VCF-style: chr13-108863549-A-G.
Other names: c.68T>C, p.Leu23Ser (NM_001098268.2, NM_001352598.2, NM_001352599.2 and 6 more transcripts); c.-134T>C (NM_001330595.2); c.104T>C, p.Leu35Ser (NM_001352604.2); short protein forms L23S, L35S.
Identifiers: ClinVar variation 1706526 (VCV001706526.3), dbSNP rs1353165210, ClinGen allele CA388624732.

ClinVar aggregate classification (germline): Conflicting classifications of pathogenicity. Review status: criteria provided, conflicting classifications (1 of 4 stars). 2 submissions from 2 submitters: Likely pathogenic (1); Uncertain significance (1). Last evaluated 2025-09-12.

Conditions:
DNA ligase IV deficiency. Identifiers: Orphanet 99812, MedGen C1847827, MONDO:0011686, OMIM 606593.

Submissions (2):

Women's Health and Genetics/Laboratory Corporation of America, LabCorp
Classification: Uncertain significance. Last evaluated: 2025-09-12. Review status: criteria provided, single submitter. Criteria: LabCorp Variant Classification Summary - May 2015. Collection method: clinical testing. Allele origin: germline.
Comment: Variant summary: LIG4 c.68T>C (p.Leu23Ser) results in a non-conservative amino acid change in the encoded protein sequence. Algorithms developed to predict the effect of missense changes on protein structure and function are either unavailable or do not agree on the potential impact of this missense change. The variant was absent in 250030 control chromosomes (gnomAD). The available data on variant occurrences in the general population are insufficient to allow any conclusion about variant significance. c.68T>C has been observed in a homozygous individual affected with a neurodevelopmental disorder (Schmidt_2024). This report does not provide unequivocal conclusions about association of the variant with Severe Combined Immunodeficiency. To our knowledge, no experimental evidence demonstrating an impact on protein function has been reported. The following publication has been ascertained in the context of this evaluation (PMID: 39039281). ClinVar contains an entry for this variant (Variation ID: 1706526). Based on the evidence outlined above, the variant was classified as uncertain significance.

Institute for Medical Genetics and Human Genetics, Charité - Universitätsmedizin Berlin
Classification: Likely pathogenic for DNA ligase IV deficiency. Last evaluated: 2022-09-22. Review status: criteria provided, single submitter. Criteria: ACMG Guidelines, 2015. Collection method: clinical testing. Allele origin: germline. Inheritance: Autosomal recessive inheritance. Affected: yes. Observed: 2 homozygotes. Clinical features observed: Microcephaly (HP:0000252), Ventricular septal defect (HP:0001629), Atrial septal defect (HP:0001631), Patent foramen ovale (HP:0001655), Short stature (HP:0004322).

Literature cited by the submitters: PubMed 39039281 (cited by Women's Health and Genetics/Laboratory Corporation of America, LabCorp).